The following is an entry in ClinVar:

ClinVar aggregate classification (germline): Uncertain significance (1 of 4 stars; one submission).

Conditions:
Inborn genetic diseases. Identifiers: MedGen C0950123, MeSH D030342.

gnomAD v4.1: 1 of 1,614,178 alleles (0.000062%); highest among the groups gnomAD compares: Non-Finnish European, 0.000085%; no homozygotes.

Submission:

Ambry Genetics
Classification: Uncertain significance for Inborn genetic diseases. Last evaluated: 2025-04-09. Review status: criteria provided, single submitter. Criteria: Ambry Variant Classification Scheme 2023. Collection method: clinical testing. Allele origin: germline.
Comment: The p.S863T variant (also known as c.2588G>C), located in coding exon 12 of the BMPR2 gene, results from a G to C substitution at nucleotide position 2588. The serine at codon 863 is replaced by threonine, an amino acid with similar properties. This amino acid position is conserved. In addition, the in silico prediction for this alteration is inconclusive. Based on the available evidence, the clinical significance of this variant remains unclear.

NM_001204.7(BMPR2):c.2588G>C (p.Ser863Thr)

Gene: BMPR2 (bone morphogenetic protein receptor type 2; plus strand). Cytogenetic location: 2q33.2.
Variant type: single nucleotide variant.
Coding change: c.2588G>C on transcript NM_001204.7 (MANE Select); coding-DNA position 2588, G replaced by C.
Protein change: p.Ser863Thr; replaces serine 863 with threonine.
Molecular consequence: missense variant.
Genome position (GRCh38, 1-based): chr2:202,556,253, G>C. VCF-style: chr2-202556253-G-C. GRCh37 (hg19) VCF-style: chr2-203420976-G-C.
Other names: short protein forms S863T.
Identifiers: ClinVar variation 3992109 (VCV003992109.1).